The following is an entry in ClinVar:

NM_001393769.1(MED12L):c.4364G>C (p.Arg1455Thr)

Genes: MED12L (mediator complex subunit 12L; plus strand), P2RY12 (purinergic receptor P2Y12; minus strand). Cytogenetic location: 3q25.1.
Variant type: single nucleotide variant.
Coding change: c.4364G>C on transcript NM_001393769.1 (MANE Select); coding-DNA position 4364, G replaced by C.
Protein change: p.Arg1455Thr; replaces arginine 1455 with threonine.
Molecular consequence: missense variant. On other transcripts: intron variant (1).
Genome position (GRCh38, 1-based): chr3:151,378,059, G>C. VCF-style: chr3-151378059-G-C. GRCh37 (hg19) VCF-style: chr3-151095847-G-C.
Other names: c.4259G>C, p.Arg1420Thr (NM_053002.6); c.-180+6633C>G (NM_022788.5); short protein forms R1420T, R1455T.
Identifiers: ClinVar variation 4686621 (VCV004686621.1).
Genomic context (GRCh38, chr3:151,378,059, plus strand): 5'-TTTCTGATTTTAGTTCCTCCGAACGCAGGGGTGTATGGTTGGTGGCCCCCCTCATCGCCA[G>C]GTTGCCAACTTCTGTGCAAGGAAGAGTGCTGAAAGCCGCTGGGGAAGAGCTGGAGAAGGG-3'
Protein context (NP_001380698.1, residues 1445-1465): GVWLVAPLIA[Arg1455Thr]LPTSVQGRVL

ClinVar aggregate classification (germline): Uncertain significance (1 of 4 stars; one submission).

Conditions:
Nizon-Isidor syndrome. Identifiers: MedGen C5394350, MONDO:0030030, OMIM 618872.

Submission:

Department of Endocrinology, Osmania Medical College
Classification: Uncertain significance for Nizon-Isidor syndrome. Last evaluated: 2025-05-07. Review status: criteria provided, single submitter. Criteria: ACMG Guidelines, 2015. Collection method: provider interpretation. Allele origin: de novo. Inheritance: Autosomal dominant inheritance. Affected: yes. Observed: 1 heterozygote.
Comment: The CACNA1D variant provides a highly specific explanation for the patient's primary phenotype (PASNA), particularly the severe early-onset hypertension and seizures. Therefore, the contribution of this MED12L variant is considered doubtful or not the primary driver. Based on the presence of a more compelling genetic etiology, this variant is classified as Uncertain Significance.